The following is an entry in ClinVar:

ClinVar aggregate classification (germline): Uncertain significance. Review status: criteria provided, multiple submitters, no conflicts (2 of 4 stars). 4 submissions from 4 submitters: Uncertain significance (4). Last evaluated 2025-09-19.

Conditions:
Cardiomyopathy (CMYO). Also called: Cardiomyopathies. Identifiers: Orphanet 167848, MedGen C0878544, MONDO:0004994, HP:0001638. Inheritance: Various modes of inheritance.
Catecholaminergic polymorphic ventricular tachycardia (CVPT). Also called: Catecholamine-induced polymorphic ventricular tachycardia. Identifiers: Orphanet 3286, MedGen C5574922, MONDO:0017990.
Catecholaminergic polymorphic ventricular tachycardia 1. Also called: VENTRICULAR TACHYCARDIA, CATECHOLAMINERGIC POLYMORPHIC, 1, WITH OR WITHOUT ATRIAL DYSFUNCTION AND/OR DILATED CARDIOMYOPATHY; VENTRICULAR TACHYCARDIA, STRESS-INDUCED POLYMORPHIC 1; RYR2-Related Catecholaminergic Polymorphic Ventricular Tachycardia. Identifiers: Orphanet 3286, MedGen C1631597, MONDO:0011484, OMIM 604772.

Allele frequency attached by ClinVar (database versions not stated): gnomAD 0.00001; gnomAD exomes 0.00001; TOPMed 0.00001; ExAC 0.00002.
gnomAD v4.1: 3 of 1,613,246 alleles (0.00019%); highest among the groups gnomAD compares: African/African-American, 0.0013%; no homozygotes.

Submissions (4):

Labcorp Genetics (formerly Invitae), Labcorp
Classification: Uncertain significance for Catecholaminergic polymorphic ventricular tachycardia 1. Last evaluated: 2025-09-19. Review status: criteria provided, single submitter. Criteria: Invitae Variant Classification Sherloc (09022015). Collection method: clinical testing. Allele origin: germline.
Comment: This sequence change replaces threonine, which is neutral and polar, with alanine, which is neutral and non-polar, at codon 4782 of the RYR2 protein (p.Thr4782Ala). This variant is present in population databases (rs762305687, gnomAD 0.007%). This variant has not been reported in the literature in individuals affected with RYR2-related conditions. ClinVar contains an entry for this variant (Variation ID: 1039880). Invitae Evidence Modeling of protein sequence and biophysical properties (such as structural, functional, and spatial information, amino acid conservation, physicochemical variation, residue mobility, and thermodynamic stability) indicates that this missense variant is expected to disrupt RYR2 protein function with a positive predictive value of 95%. In summary, the available evidence is currently insufficient to determine the role of this variant in disease. Therefore, it has been classified as a Variant of Uncertain Significance.

Color Diagnostics, LLC DBA Color Health
Classification: Uncertain significance for Cardiomyopathy. Last evaluated: 2025-08-11. Review status: criteria provided, single submitter. Criteria: ACMG Guidelines, 2015. Collection method: clinical testing. Allele origin: germline.
Comment: This missense variant replaces threonine with alanine at codon 4782 of the RYR2 protein. Computational prediction suggests that this variant may have deleterious impact on protein structure and function. To our knowledge, functional studies have not been reported for this variant. This variant has been reported in an individual with suspected genetic cardiomyopathy or arrhythmia (PMID: 35947370). This variant has been identified in 2/249224 chromosomes in the general population by the Genome Aggregation Database (gnomAD). The available evidence is insufficient to determine the role of this variant in disease conclusively. Therefore, this variant is classified as a Variant of Uncertain Significance.

All of Us Research Program, National Institutes of Health
Classification: Uncertain significance for Catecholaminergic polymorphic ventricular tachycardia. Last evaluated: 2023-08-23. Review status: criteria provided, single submitter. Criteria: ACMG Guidelines, 2015. Collection method: clinical testing. Allele origin: germline. Inheritance: Autosomal dominant inheritance. Observed: 1 variant allele, 1 heterozygote.
Comment: This missense variant replaces threonine with alanine at codon 4782 of the RYR2 protein. Computational prediction suggests that this variant may have deleterious impact on protein structure and function (internally defined REVEL score threshold >= 0.7, PMID: 27666373). To our knowledge, functional studies have not been reported for this variant. This variant has not been reported in individuals affected with RYR2-related disorders in the literature. This variant has been identified in 2/249224 chromosomes in the general population by the Genome Aggregation Database (gnomAD). The available evidence is insufficient to determine the role of this variant in disease conclusively. Therefore, this variant is classified as a Variant of Uncertain Significance.

This study involves interpretation of variants in research participants for the purpose of population health screening. Participant phenotype was not available at the time of variant classification. Additional details can be found in publication PMID: 35346344, PMCID: PMC8962531

AiLife Diagnostics
Classification: Uncertain significance. Last evaluated: 2021-12-23. Review status: criteria provided, single submitter. Criteria: ACMG Guidelines, 2015. Collection method: clinical testing. Allele origin: germline. Affected: yes. Observed: 1 variant allele.

Literature cited by the submitters: PubMed 35947370 (cited by Color Diagnostics, LLC DBA Color Health).

NM_001035.3(RYR2):c.14344A>G (p.Thr4782Ala)

Gene: RYR2 (ryanodine receptor 2; plus strand). Cytogenetic location: 1q43.
Variant type: single nucleotide variant.
Coding change: c.14344A>G on transcript NM_001035.3 (MANE Select); coding-DNA position 14344, A replaced by G.
Protein change: p.Thr4782Ala; replaces threonine 4782 with alanine.
Molecular consequence: missense variant.
Genome position (GRCh38, 1-based): chr1:237,808,946, A>G. VCF-style: chr1-237808946-A-G. GRCh37 (hg19) VCF-style: chr1-237972246-A-G.
Other names: short protein forms T4782A.
Identifiers: ClinVar variation 1039880 (VCV001039880.11), dbSNP rs762305687, ClinGen allele CA085647.